The following is an entry in ClinVar:

NM_004063.4(CDH17):c.2216A>C (p.Glu739Ala)

Gene: CDH17 (cadherin 17; minus strand). Cytogenetic location: 8q22.1.
Variant type: single nucleotide variant.
Coding change: c.2216A>C on transcript NM_004063.4 (MANE Select); coding-DNA position 2216, A replaced by C.
Protein change: p.Glu739Ala; replaces glutamic acid 739 with alanine.
Molecular consequence: missense variant.
Genome position (GRCh38, 1-based): chr8:94,130,944, T>G on the plus strand (A>C on the coding strand, the complement: CDH17 is on the minus strand). VCF-style: chr8-94130944-T-G. GRCh37 (hg19) VCF-style: chr8-95143172-T-G.
Other names: c.2216A>C, p.Glu739Ala (NM_001144663.2); short protein forms E739A.
Identifiers: ClinVar variation 1287378 (VCV001287378.2), dbSNP rs1051624, ClinGen allele CA4808977.

ClinVar aggregate classification (germline): Benign. Review status: criteria provided, multiple submitters, no conflicts (2 of 4 stars). 2 submissions from 2 submitters: Benign (2). Last evaluated 2020-07-15.

Allele frequency attached by ClinVar (database versions not stated): 1000 Genomes Project 30x 0.43161; 1000 Genomes Project 0.44269; TOPMed 0.45489; ESP Exome Variant Server 0.47363.
gnomAD v4.1: 863,257 of 1,604,310 alleles (54%); highest among the groups gnomAD compares: Non-Finnish European, 56%; 237,689 homozygotes.

Submissions (2):

GeneDx
Classification: Benign. Last evaluated: 2020-07-15. Review status: criteria provided, single submitter. Criteria: GeneDx Variant Classification Process June 2021. Collection method: clinical testing. Allele origin: germline. Affected: yes.
Comment: This variant is associated with the following publications: (PMID: 23326130)

Breakthrough Genomics
Classification: Benign. Review status: criteria provided, single submitter. Criteria: ACMG Guidelines, 2015. Collection method: not provided. Allele origin: germline. Inheritance: Unknown mechanism. Affected: yes.